The following is an entry in ClinVar:

NM_021956.5(GRIK2):c.1095+7T>C

Gene: GRIK2 (glutamate ionotropic receptor kainate type subunit 2; plus strand). Cytogenetic location: 6q16.3.
Variant type: single nucleotide variant.
Coding change: c.1095+7T>C on transcript NM_021956.5 (MANE Select); 7 bases into the intron after coding-DNA position 1095, T replaced by C.
Molecular consequence: intron variant.
Genome position (GRCh38, 1-based): chr6:101,799,798, T>C. VCF-style: chr6-101799798-T-C. GRCh37 (hg19) VCF-style: chr6-102247673-T-C.
Other names: c.1095+7T>C (NM_175768.3, NM_001166247.1).
Identifiers: ClinVar variation 129169 (VCV000129169.6), dbSNP rs6922753, ClinGen allele CA153006.

ClinVar aggregate classification (germline): Likely benign (0 of 4 stars; one submission).

Allele frequency attached by ClinVar (database versions not stated): gnomAD exomes 0.17905 and 0.25085; ESP Exome Variant Server 0.23920; ExAC 0.25370; gnomAD 0.25808 and 0.26394; TOPMed 0.27003; 1000 Genomes Project 30x 0.40756; 1000 Genomes Project 0.41514.
gnomAD v4.1: 302,363 of 1,608,086 alleles (19%); highest among the groups gnomAD compares: East Asian, 63%; 39,052 homozygotes.

Submission:

Genetic Services Laboratory, University of Chicago
Classification: Likely benign for AllHighlyPenetrant. Review status: no assertion criteria provided. Collection method: clinical testing. Allele origin: germline. Inheritance: Autosomal recessive inheritance.
Comment: Likely benign based on allele frequency in 1000 Genomes Project or ESP global frequency and its presence in a patient with a rare or unrelated disease phenotype. NOT Sanger confirmed.